The following is an entry in ClinVar:

ClinVar aggregate classification (germline): Likely benign (1 of 4 stars; one submission).

Conditions:
Dicarboxylic aminoaciduria (DCBXA). Also called: GLUTAMATE-ASPARTATE TRANSPORT DEFECT. Identifiers: Orphanet 2195, MedGen C1857253, MONDO:0009110, OMIM 222730.

Allele frequency attached by ClinVar (database versions not stated): gnomAD 0.00001 and 0.00007; TOPMed 0.00012; gnomAD exomes 0.00013; 1000 Genomes Project 30x 0.00047; 1000 Genomes Project 0.00080.
gnomAD v4.1: 13 of 175,704 alleles (0.0074%); highest among the groups gnomAD compares: East Asian, 0.18%; no homozygotes.

Submission:

Illumina Laboratory Services, Illumina
Classification: Likely benign for Dicarboxylic aminoaciduria. Last evaluated: 2018-01-13. Review status: criteria provided, single submitter. Criteria: ICSL Variant Classification Criteria 13 December 2019. Collection method: clinical testing. Allele origin: germline.
Comment: This variant was observed in the ICSL laboratory as part of a predisposition screen in an ostensibly healthy population. It had not been previously curated by ICSL or reported in the Human Gene Mutation Database (HGMD: prior to June 1st, 2018), and was therefore a candidate for classification through an automated scoring system. Utilizing variant allele frequency, disease prevalence and penetrance estimates, and inheritance mode, an automated score was calculated to assess if this variant is too frequent to cause the disease. Based on the score and internal cut-off values, a variant classified as likely benign is not then subjected to further curation. The score for this variant resulted in a classification of likely benign for this disease.

NM_004170.6(SLC1A1):c.*475A>G

Gene: SLC1A1 (solute carrier family 1 member 1; plus strand). Cytogenetic location: 9p24.2.
Variant type: single nucleotide variant.
Coding change: c.*475A>G on transcript NM_004170.6 (MANE Select); 475 bases downstream of the stop codon, A replaced by G.
Molecular consequence: 3 prime UTR variant.
Genome position (GRCh38, 1-based): chr9:4,586,033, A>G. VCF-style: chr9-4586033-A-G. GRCh37 (hg19) VCF-style: chr9-4586033-A-G.
Identifiers: ClinVar variation 913932 (VCV000913932.4), dbSNP rs185933988, ClinGen allele CA188359295.
Genomic context (GRCh38, chr9:4,586,033, plus strand): 5'-TCCTTTGACCTCTCACTTTTTTATAAATTATAATGCATCTAAACCACCTGTCCCCAGTTA[A>G]TGTGCCAAAATGTCAATTTTTAACTTATCTCCAGCCAATTTCAAAGAAAACAGACCAGCA-3'